The following is an entry in ClinVar:

NM_013275.6(ANKRD11):c.6239C>A (p.Ala2080Asp)

Gene: ANKRD11 (ankyrin repeat domain 11; minus strand). Cytogenetic location: 16q24.3.
Variant type: single nucleotide variant.
Coding change: c.6239C>A on transcript NM_013275.6 (MANE Select); coding-DNA position 6239, C replaced by A.
Protein change: p.Ala2080Asp; replaces alanine 2080 with aspartic acid.
Molecular consequence: missense variant.
Genome position (GRCh38, 1-based): chr16:89,280,303, G>T on the plus strand (C>A on the coding strand, the complement: ANKRD11 is on the minus strand). VCF-style: chr16-89280303-G-T. GRCh37 (hg19) VCF-style: chr16-89346711-G-T.
Other names: c.6239C>A, p.Ala2080Asp (NM_001256182.2, NM_001256183.2); short protein forms A2080D.
Identifiers: ClinVar variation 2446569 (VCV002446569.2), dbSNP rs2034082579, ClinGen allele CA397151588.

ClinVar aggregate classification (germline): Uncertain significance. Review status: criteria provided, multiple submitters, no conflicts (2 of 4 stars). 2 submissions from 2 submitters: Uncertain significance (2). Last evaluated 2025-04-01.

Conditions:
KBG syndrome (KBGS). Also called: ANKRD11-Related KBG Syndrome. Identifiers: Orphanet 2332, MedGen C0220687, MONDO:0007846, OMIM 148050.

Submissions (2):

Labcorp Genetics (formerly Invitae), Labcorp
Classification: Uncertain significance for KBG syndrome. Last evaluated: 2025-04-01. Review status: criteria provided, single submitter. Criteria: Invitae Variant Classification Sherloc (09022015). Collection method: clinical testing. Allele origin: germline.
Comment: This sequence change replaces alanine, which is neutral and non-polar, with aspartic acid, which is acidic and polar, at codon 2080 of the ANKRD11 protein (p.Ala2080Asp). This variant is not present in population databases (gnomAD no frequency). This variant has not been reported in the literature in individuals affected with ANKRD11-related conditions. ClinVar contains an entry for this variant (Variation ID: 2446569). Invitae Evidence Modeling of protein sequence and biophysical properties (such as structural, functional, and spatial information, amino acid conservation, physicochemical variation, residue mobility, and thermodynamic stability) indicates that this missense variant is not expected to disrupt ANKRD11 protein function with a negative predictive value of 95%. In summary, the available evidence is currently insufficient to determine the role of this variant in disease. Therefore, it has been classified as a Variant of Uncertain Significance.

GeneDx
Classification: Uncertain significance. Last evaluated: 2023-03-27. Review status: criteria provided, single submitter. Criteria: GeneDx Variant Classification Process June 2021. Collection method: clinical testing. Allele origin: germline. Affected: yes.
Comment: Not observed at significant frequency in large population cohorts (gnomAD); In silico analysis supports that this missense variant does not alter protein structure/function; Has not been previously published as pathogenic or benign to our knowledge